The following is an entry in ClinVar:

ClinVar aggregate classification (germline): Uncertain significance (1 of 4 stars; one submission).

Allele frequency attached by ClinVar (database versions not stated): gnomAD exomes below 0.00001.
gnomAD v4.1: 1 of 1,605,032 alleles (0.000062%); highest among the groups gnomAD compares: Non-Finnish European, 0.000085%; no homozygotes.

Submission:

Labcorp Genetics (formerly Invitae), Labcorp
Classification: Uncertain significance. Last evaluated: 2024-10-07. Review status: criteria provided, single submitter. Criteria: Invitae Variant Classification Sherloc (09022015). Collection method: clinical testing. Allele origin: germline.
Comment: This sequence change replaces glutamic acid, which is acidic and polar, with aspartic acid, which is acidic and polar, at codon 200 of the ENPP1 protein (p.Glu200Asp). This variant is not present in population databases (gnomAD no frequency). This variant has not been reported in the literature in individuals affected with ENPP1-related conditions. ClinVar contains an entry for this variant (Variation ID: 2006205). Invitae Evidence Modeling of protein sequence and biophysical properties (such as structural, functional, and spatial information, amino acid conservation, physicochemical variation, residue mobility, and thermodynamic stability) indicates that this missense variant is not expected to disrupt ENPP1 protein function with a negative predictive value of 80%. In summary, the available evidence is currently insufficient to determine the role of this variant in disease. Therefore, it has been classified as a Variant of Uncertain Significance.

NM_006208.3(ENPP1):c.600G>T (p.Glu200Asp)

Gene: ENPP1 (ectonucleotide pyrophosphatase/phosphodiesterase 1; plus strand). Cytogenetic location: 6q23.2.
Variant type: single nucleotide variant.
Coding change: c.600G>T on transcript NM_006208.3 (MANE Select); coding-DNA position 600, G replaced by T.
Protein change: p.Glu200Asp; replaces glutamic acid 200 with aspartic acid.
Molecular consequence: missense variant.
Genome position (GRCh38, 1-based): chr6:131,852,218, G>T. VCF-style: chr6-131852218-G-T. GRCh37 (hg19) VCF-style: chr6-132173358-G-T.
Other names: short protein forms E200D.
Identifiers: ClinVar variation 2006205 (VCV002006205.4), dbSNP rs2483464083, ClinGen allele CA365663403.